The following is an entry in ClinVar:

ClinVar aggregate classification (germline): Uncertain significance (1 of 4 stars; one submission).

Conditions:
RYR1-related disorder. Also called: RYR1-related condition; RYR1-related disorders. Identifiers: MedGen CN239331.

Submission:

Labcorp Genetics (formerly Invitae), Labcorp
Classification: Uncertain significance for RYR1-related disorder. Last evaluated: 2025-01-24. Review status: criteria provided, single submitter. Criteria: Invitae Variant Classification Sherloc (09022015). Collection method: clinical testing. Allele origin: germline.
Comment: This sequence change replaces glycine, which is neutral and non-polar, with glutamic acid, which is acidic and polar, at codon 2343 of the RYR1 protein (p.Gly2343Glu). Information on the frequency of this variant in the gnomAD database is not available, as this variant may be reported differently in the database. This variant has not been reported in the literature in individuals affected with RYR1-related conditions. An algorithm developed to predict the effect of missense changes on protein structure and function (PolyPhen-2) suggests that this variant is likely to be tolerated. In summary, the available evidence is currently insufficient to determine the role of this variant in disease. Therefore, it has been classified as a Variant of Uncertain Significance.

NM_000540.3(RYR1):c.7028_7029delinsAA (p.Gly2343Glu)

Gene: RYR1 (ryanodine receptor 1; plus strand). Cytogenetic location: 19q13.2.
Variant type: Indel.
Coding change: c.7028_7029delinsAA on transcript NM_000540.3 (MANE Select); coding-DNA positions 7028 to 7029, GC replaced by AA.
Protein change: p.Gly2343Glu; replaces glycine 2343 with glutamic acid.
Molecular consequence: missense variant.
Genome position (GRCh38, 1-based): chr19:38,499,635-38,499,636, GC replaced by AA. VCF-style: chr19-38499635-GC-AA. GRCh37 (hg19) VCF-style: chr19-38990275-GC-AA.
Other names: c.7028_7029delinsAA, p.Gly2343Glu (NM_001042723.2); short protein forms G2343E.
Identifiers: ClinVar variation 3729539 (VCV003729539.2).